The following is an entry in ClinVar:

ClinVar aggregate classification (germline): Uncertain significance (1 of 4 stars; one submission).

Submission:

Labcorp Genetics (formerly Invitae), Labcorp
Classification: Uncertain significance. Last evaluated: 2023-10-13. Review status: criteria provided, single submitter. Criteria: Invitae Variant Classification Sherloc (09022015). Collection method: clinical testing. Allele origin: germline.
Comment: This variant, c.209_220dup, results in the insertion of 4 amino acid(s) of the ADAMTS13 protein (p.Gln70_Arg73dup), but otherwise preserves the integrity of the reading frame. This variant is present in population databases (rs782306107, gnomAD 0.002%). This variant has not been reported in the literature in individuals affected with ADAMTS13-related conditions. In summary, the available evidence is currently insufficient to determine the role of this variant in disease. Therefore, it has been classified as a Variant of Uncertain Significance.

NM_139027.6(ADAMTS13):c.197AGAGGC[6] (p.Arg73_Arg74insGlnArgGlnArg)

Gene: ADAMTS13 (ADAM metallopeptidase with thrombospondin type 1 motif 13; plus strand). Cytogenetic location: 9q34.2.
Variant type: Microsatellite.
Coding change: c.197AGAGGC[6] on transcript NM_139027.6 (MANE Select); six copies in a row of the 6-base unit AGAGGC starting at c.197; the reference has four copies in a row; two copies, 12 bases duplicated.
Protein change: p.Arg73_Arg74insGlnArgGlnArg.
Molecular consequence: inframe insertion. On other transcripts: non-coding transcript variant (1).
Genome position (GRCh38, 1-based): chr9:133,424,357-133,424,368, AGAGGCAGAGGC duplicated; duplicating any 12 consecutive bases within chr9:133,424,344-133,424,368 gives the same sequence; the position shown is the placement nearest the transcript's 3' end. VCF-style (leftmost placement, unchanged base first): chr9-133424343-C-CCAGAGGCAGAGG. GRCh37 (hg19) VCF-style: chr9-136289463-C-CCAGAGGCAGAGG.
Other names: c.197AGAGGC[6], p.Arg73_Arg74insGlnArgGlnArg (NM_139025.5, NM_139026.6).
Identifiers: ClinVar variation 2017241 (VCV002017241.4), dbSNP rs781853881, ClinGen allele CA375707040.